The following is an entry in ClinVar:

NM_000093.5(COL5A1):c.2898+53_2898+72del

Gene: COL5A1 (collagen type V alpha 1 chain; plus strand). Cytogenetic location: 9q34.3.
Variant type: Deletion.
Coding change: c.2898+53_2898+72del on transcript NM_000093.5 (MANE Select); bases 53 to 72 of the intron after coding-DNA position 2898, 20 bases deleted (ACCTGTCCCCTCCAAAACCC).
Molecular consequence: intron variant.
Genome position (GRCh38, 1-based): chr9:134,796,954-134,796,973, ACCTGTCCCCTCCAAAACCC deleted; deleting any 20 consecutive bases within chr9:134,796,935-134,796,973 gives the same sequence; the c. name uses the placement nearest the transcript's 3' end. VCF-style (leftmost placement, unchanged base first): chr9-134796934-GCCTGTCCCCTCCAAAACCCA-G. GRCh37 (hg19) VCF-style: chr9-137688780-GCCTGTCCCCTCCAAAACCCA-G.
Other names: c.2898+53_2898+72del (NM_001278074.1, NM_000093.4).
Identifiers: ClinVar variation 1245038 (VCV001245038.3), dbSNP rs142676375, ClinGen allele CA5319655.

ClinVar aggregate classification (germline): Benign. Review status: criteria provided, multiple submitters, no conflicts (2 of 4 stars). 2 submissions from 2 submitters: Benign (2). Last evaluated 2026-09-21.

Submissions (2):

Molecular Diagnostic Laboratory for Inherited Cardiovascular Disease, Montreal Heart Institute
Classification: Benign. Last evaluated: 2026-09-21. Review status: criteria provided, single submitter. Criteria: ACMG Guidelines, 2015. Collection method: clinical testing. Allele origin: germline. Affected: no.
Comment: BA1

GeneDx
Classification: Benign. Last evaluated: 2018-07-08. Review status: criteria provided, single submitter. Criteria: GeneDx Variant Classification Process June 2021. Collection method: clinical testing. Allele origin: germline. Affected: yes.